The following is an entry in ClinVar:

NM_015057.5(MYCBP2):c.11129A>G (p.Asp3710Gly)

Genes: MYCBP2 (MYC binding protein 2; minus strand), MYCBP2-AS1 (MYCBP2 antisense RNA 1; plus strand). Cytogenetic location: 13q22.3.
Variant type: single nucleotide variant.
Coding change: c.11129A>G on transcript NM_015057.5 (MANE Select); coding-DNA position 11129, A replaced by G.
Protein change: p.Asp3710Gly; replaces aspartic acid 3710 with glycine.
Molecular consequence: missense variant.
Genome position (GRCh38, 1-based): chr13:77,081,901, T>C on the plus strand (A>G on the coding strand, the complement: MYCBP2 is on the minus strand). VCF-style: chr13-77081901-T-C. GRCh37 (hg19) VCF-style: chr13-77656036-T-C.
Other names: short protein forms D3710G.
Identifiers: ClinVar variation 4975249 (VCV004975249.1).

ClinVar aggregate classification (germline): Uncertain significance (1 of 4 stars; one submission).

Submission:

GeneDx
Classification: Uncertain significance. Last evaluated: 2026-01-23. Review status: criteria provided, single submitter. Criteria: GeneDx Variant Classification Process June 2021. Collection method: clinical testing. Allele origin: germline.
Comment: Not observed at significant frequency in large population cohorts (gnomAD); In silico analysis supports that this missense variant has a deleterious effect on protein structure/function; Has not been previously published as pathogenic or benign to our knowledge